The following is an entry in ClinVar:

NM_018713.3(SLC30A10):c.549A>G (p.Thr183=)

Gene: SLC30A10 (solute carrier family 30 member 10; minus strand). Cytogenetic location: 1q41.
Variant type: single nucleotide variant.
Coding change: c.549A>G on transcript NM_018713.3 (MANE Select); coding-DNA position 549, A replaced by G.
Protein change: p.Thr183=; no amino-acid change (threonine 183 retained).
Molecular consequence: synonymous variant. On other transcripts: non-coding transcript variant (1), intron variant (1).
Genome position (GRCh38, 1-based): chr1:219,927,892, T>C on the plus strand (A>G on the coding strand, the complement: SLC30A10 is on the minus strand). VCF-style: chr1-219927892-T-C. GRCh37 (hg19) VCF-style: chr1-220101234-T-C.
Other names: c.452-787A>G (NM_001376929.1).
Identifiers: ClinVar variation 1597208 (VCV001597208.28), dbSNP rs201861047, ClinGen allele CA1399305.
Genomic context (GRCh38, chr1:219,927,892, plus strand): 5'-CTCCCGCTTCCTTTCCACCGAGGTCCCCCGGAGGGTTACGGCCGAGTCCGAGCCTGGGGC[T>C]GTCGGGTCCGCCGCGCGCCGCGGGTCCTCCGCGCCCTGAGGCCCCCCGAAAGCGCCGGGG-3'
Protein context (NP_061183.2, residues 173-193): AEDPRRAADP[Thr183=]APGSDSAVTL

ClinVar aggregate classification (germline): Likely benign. Review status: criteria provided, multiple submitters, no conflicts (2 of 4 stars). 3 submissions from 3 submitters: Likely benign (3). Last evaluated 2025-04-11.

Allele frequency attached by ClinVar (database versions not stated): gnomAD exomes 0.00003 and 0.00007; ExAC 0.00006; TOPMed 0.00006; gnomAD 0.00007; 1000 Genomes Project 30x 0.00016.
gnomAD v4.1: 113 of 1,540,808 alleles (0.0073%); highest among the groups gnomAD compares: Middle Eastern, 0.05%; no homozygotes.

Submissions (3):

Labcorp Genetics (formerly Invitae), Labcorp
Classification: Likely benign. Last evaluated: 2025-04-11. Review status: criteria provided, single submitter. Criteria: Invitae Variant Classification Sherloc (09022015). Collection method: clinical testing. Allele origin: germline.

CeGaT Center for Human Genetics Tuebingen
Classification: Likely benign. Last evaluated: 2025-02-01. Review status: criteria provided, single submitter. Criteria: CeGaT Center For Human Genetics Tuebingen Variant Classification Criteria Version 2. Collection method: clinical testing. Allele origin: germline. Affected: yes. Observed: 2 variant alleles.
Comment: SLC30A10: BP4, BP7

Blueprint Genetics
Classification: Likely benign. Last evaluated: 2024-04-29. Review status: criteria provided, single submitter. Criteria: ACMG Guidelines, 2015. Collection method: clinical testing. Allele origin: germline.